The following is an entry in ClinVar:

ClinVar aggregate classification (germline): Uncertain significance (1 of 4 stars; one submission).

Submission:

Ambry Genetics
Classification: Uncertain significance. Last evaluated: 2025-04-18. Review status: criteria provided, single submitter. Criteria: Ambry Variant Classification Scheme 2023. Collection method: clinical testing. Allele origin: germline.
Comment: The p.S588L variant (also known as c.1763C>T), located in coding exon 1 of the TET2 gene, results from a C to T substitution at nucleotide position 1763. The serine at codon 588 is replaced by leucine, an amino acid with dissimilar properties. This amino acid position is conserved. In addition, the in silico prediction for this alteration is inconclusive. Based on the available evidence, the clinical significance of this variant remains unclear.

NM_001127208.3(TET2):c.1763C>T (p.Ser588Leu)

Genes: TET2 (tet methylcytosine dioxygenase 2; plus strand), TET2-AS1 (TET2 antisense RNA 1; minus strand). Cytogenetic location: 4q24.
Variant type: single nucleotide variant.
Coding change: c.1763C>T on transcript NM_001127208.3 (MANE Select); coding-DNA position 1763, C replaced by T.
Protein change: p.Ser588Leu; replaces serine 588 with leucine.
Molecular consequence: missense variant.
Genome position (GRCh38, 1-based): chr4:105,235,705, C>T. VCF-style: chr4-105235705-C-T. GRCh37 (hg19) VCF-style: chr4-106156862-C-T.
Other names: c.1763C>T, p.Ser588Leu (NM_017628.4); short protein forms S588L.
Identifiers: ClinVar variation 3967570 (VCV003967570.1).